The following is an entry in ClinVar:

NM_006859.4(LIAS):c.884-298_884-297insAACA

Gene: LIAS (lipoic acid synthetase; plus strand). Cytogenetic location: 4p14.
Variant type: Insertion.
Coding change: c.884-298_884-297insAACA on transcript NM_006859.4 (MANE Select); 298 bases into the intron before coding-DNA position 884 through 297 bases into the intron before coding-DNA position 884, AACA inserted.
Molecular consequence: intron variant.
Genome position: GRCh38 VCF-style: chr4-39470936-C-CCAAA. GRCh37 (hg19) VCF-style: chr4-39472556-C-CCAAA.
Other names: c.884-298_884-297insAACA (NM_194451.3); c.755-298_755-297insAACA (NM_001278590.2); c.575-298_575-297insAACA (NM_001363700.2).
Identifiers: ClinVar variation 669810 (VCV000669810.1), dbSNP rs33922485, ClinGen allele CA95731870.

ClinVar aggregate classification (germline): Benign (1 of 4 stars; one submission).

Submission:

GeneDx
Classification: Benign. Last evaluated: 2018-06-14. Review status: criteria provided, single submitter. Criteria: GeneDx Variant Classification (06012015). Collection method: clinical testing. Allele origin: germline. Affected: yes.
Comment: This variant is considered likely benign or benign based on one or more of the following criteria: it is a conservative change, it occurs at a poorly conserved position in the protein, it is predicted to be benign by multiple in silico algorithms, and/or has population frequency not consistent with disease.